The following is an entry in ClinVar:

NM_032043.3(BRIP1):c.1626C>T (p.Ser542=)

Gene: BRIP1 (BRCA1 interacting DNA helicase 1; minus strand). Cytogenetic location: 17q23.2.
Variant type: single nucleotide variant.
Coding change: c.1626C>T on transcript NM_032043.3 (MANE Select); coding-DNA position 1626, C replaced by T.
Protein change: p.Ser542=; no amino-acid change (serine 542 retained).
Molecular consequence: synonymous variant.
Genome position (GRCh38, 1-based): chr17:61,784,272, G>A on the plus strand (C>T on the coding strand, the complement: BRIP1 is on the minus strand). VCF-style: chr17-61784272-G-A. GRCh37 (hg19) VCF-style: chr17-59861633-G-A.
Identifiers: ClinVar variation 183873 (VCV000183873.30), dbSNP rs373709958, ClinGen allele CA186830.
Genomic context (GRCh38, chr17:61,784,272, plus strand): 5'-TAGCATCCAAATTAGGCTATTTTTAAAAGGAAAATACATACTAGTTATCTTCACTTACCT[G>A]CTATTTTGCCTAAAAAGATAGTCAAGTACCATAAAAAGTCCTTTAAGCATTATTTGAGTT-3'
Protein context (NP_114432.2, residues 532-552): MVLDYLFRQN[Ser542=]RFADDYKIAI

ClinVar aggregate classification (germline): Benign/Likely benign. Review status: criteria provided, multiple submitters, no conflicts (2 of 4 stars). 13 submissions from 13 submitters: Benign (3); Likely benign (10). Last evaluated 2026-02-01.

Conditions:
Familial ovarian cancer. Identifiers: MedGen C5679802, MONDO:0016248.
BRIP1-related disorder. Also called: BRIP1-related condition; BRIP1-related disorders. Identifiers: MedGen CN239206.
Familial cancer of breast. Also called: Hereditary breast cancer; BREAST CANCER, FAMILIAL; hereditary breast carcinoma. Identifiers: Orphanet 227535, MedGen C0346153, MONDO:0016419, OMIM 114480. Disease mechanism: loss of function.
Fanconi anemia complementation group J. Also called: BRIP1-Related Fanconi Anemia. Identifiers: Orphanet 84, MedGen C1836860, MONDO:0012187, OMIM 609054.
Hereditary cancer-predisposing syndrome. Also called: Neoplastic Syndromes, Hereditary; Tumor predisposition; Hereditary neoplastic syndrome; Hereditary Cancer Syndrome. Identifiers: Orphanet 140162, MedGen C0027672, MeSH D009386, MONDO:0015356.

Allele frequency attached by ClinVar (database versions not stated): gnomAD 0.00004 and 0.00012; TOPMed 0.00005; ESP Exome Variant Server 0.00008; gnomAD exomes 0.00016 and 0.00033; 1000 Genomes Project 0.00040; ExAC 0.00040; 1000 Genomes Project 30x 0.00047.
gnomAD v4.1: 244 of 1,611,820 alleles (0.015%); highest among the groups gnomAD compares: South Asian, 0.22%; no homozygotes.

Submissions (13):

Labcorp Genetics (formerly Invitae), Labcorp
Classification: Likely benign for Familial cancer of breast; Fanconi anemia complementation group J. Last evaluated: 2026-02-01. Review status: criteria provided, single submitter. Criteria: Invitae Variant Classification Sherloc (09022015). Collection method: clinical testing. Allele origin: germline.

PreventionGenetics, part of Exact Sciences
Classification: Likely benign for BRIP1-related condition. Last evaluated: 2025-08-20. Review status: criteria provided, single submitter. Criteria: ACMG Guidelines, 2015. Collection method: clinical testing. Allele origin: germline.
Comment: This variant is classified as likely benign based on ACMG/AMP sequence variant interpretation guidelines (Richards et al. 2015 PMID: 25741868, with internal and published modifications).

Center for Genomic Medicine, Rigshospitalet, Copenhagen University Hospital
Classification: Likely benign. Last evaluated: 2025-03-04. Review status: criteria provided, single submitter. Criteria: ACMG Guidelines, 2015. Collection method: clinical testing. Allele origin: germline.

Blueprint Genetics
Classification: Likely benign. Last evaluated: 2024-09-23. Review status: criteria provided, single submitter. Criteria: ACMG Guidelines, 2015. Collection method: clinical testing. Allele origin: germline.

Myriad Genetics, Inc.
Classification: Likely benign for Familial cancer of breast. Last evaluated: 2024-08-28. Review status: criteria provided, single submitter. Criteria: Myriad Autosomal Dominant, Autosomal Recessive and X-Linked Classification Criteria (2023). Collection method: clinical testing. Allele origin: unknown.
Comment: This variant is considered likely benign. This variant is a silent/synonymous amino acid change and it is not expected to impact splicing.

Quest Diagnostics Nichols Institute San Juan Capistrano
Classification: Benign. Last evaluated: 2023-06-28. Review status: criteria provided, single submitter. Criteria: Quest Diagnostics criteria. Collection method: clinical testing. Allele origin: unknown.

Sema4
Classification: Likely benign for Hereditary cancer-predisposing syndrome. Last evaluated: 2021-02-04. Review status: criteria provided, single submitter. Criteria: Sema4 Curation Guidelines. Collection method: curation. Allele origin: germline.

Department of Pathology and Laboratory Medicine, Sinai Health System
Classification: Likely benign for familial ovarian cancer. Last evaluated: 2020-01-13. Review status: criteria provided, single submitter. Criteria: ACMG Guidelines, 2015. Collection method: clinical testing. Allele origin: germline. Affected: yes.

ARUP Laboratories, Molecular Genetics and Genomics, ARUP Laboratories
Classification: Likely benign for Fanconi anemia complementation group J. Last evaluated: 2019-06-12. Review status: criteria provided, single submitter. Criteria: ARUP Molecular Germline Variant Investigation Process. Collection method: clinical testing. Allele origin: germline.

Women's Health and Genetics/Laboratory Corporation of America, LabCorp
Classification: Benign. Last evaluated: 2017-04-06. Review status: criteria provided, single submitter. Criteria: LabCorp Variant Classification Summary - May 2015. Collection method: clinical testing. Allele origin: germline.
Comment: Variant summary: The BRIP1 c.1626C>T (p.Ser542Ser) variant involves the alteration of a conserved nucleotide causing a synonymous change, which 3/5 splice prediction tools predict no significant impact on normal splicing. ESE finder predicts the remove of ESE binding sites. However, these predictions have yet to be confirmed by functional studies. This variant was found in 48/121252 (1/2525) control chromosomes, predominantly observed in the South Asian cohort, 38/16490 (1/434), which is about 37 times the estimated maximal expected allele frequency of a pathogenic BRIP1 variant, 1/16000. Therefore, suggesting this is likely a benign polymorphism found primarily in population(s) of South Asian origin. In addition, multiple clinical diagnostic laboratories/reputable databases classified this variant as likely benign/benign. Taken together, this variant is classified as benign.

Color Diagnostics, LLC DBA Color Health
Classification: Likely benign for Hereditary cancer-predisposing syndrome. Last evaluated: 2015-08-11. Review status: criteria provided, single submitter. Criteria: ACMG Guidelines, 2015. Collection method: clinical testing. Allele origin: germline.

GeneDx
Classification: Benign. Last evaluated: 2015-04-17. Review status: criteria provided, single submitter. Criteria: GeneDx Variant Classification (06012015). Collection method: clinical testing. Allele origin: germline. Affected: yes.
Comment: This variant is considered likely benign or benign based on one or more of the following criteria: it is a conservative change, it occurs at a poorly conserved position in the protein, it is predicted to be benign by multiple in silico algorithms, and/or has population frequency not consistent with disease.

Ambry Genetics
Classification: Likely benign for Hereditary cancer-predisposing syndrome. Last evaluated: 2014-12-10. Review status: criteria provided, single submitter. Criteria: Ambry Variant Classification Scheme 2023. Collection method: clinical testing. Allele origin: germline.

Literature cited by the submitters: PubMed 24376576 (cited by Women's Health and Genetics/Laboratory Corporation of America, LabCorp).